The following is an entry in ClinVar:

NM_015215.4(CAMTA1):c.975G>A (p.Lys325=)

Gene: CAMTA1 (calmodulin binding transcription activator 1; plus strand). Cytogenetic location: 1p36.23.
Variant type: single nucleotide variant.
Coding change: c.975G>A on transcript NM_015215.4 (MANE Select); coding-DNA position 975, G replaced by A.
Protein change: p.Lys325=; no amino-acid change (lysine 325 retained).
Molecular consequence: synonymous variant.
Genome position (GRCh38, 1-based): chr1:7,663,522, G>A. VCF-style: chr1-7663522-G-A. GRCh37 (hg19) VCF-style: chr1-7723582-G-A.
Other names: p.Lys325=; c.885G>A, p.Lys295= (NM_001349608.2, NM_001349612.2); c.975G>A, p.Lys325= (NM_001349609.2, NM_001349610.2).
Identifiers: ClinVar variation 727906 (VCV000727906.10), dbSNP rs779986948, ClinGen allele CA566342.

ClinVar aggregate classification (germline): Likely benign. Review status: criteria provided, multiple submitters, no conflicts (2 of 4 stars). 3 submissions from 3 submitters: Likely benign (3). Last evaluated 2025-11-03.

Allele frequency attached by ClinVar (database versions not stated): TOPMed 0.00002; ExAC 0.00003; gnomAD 0.00003 and 0.00004; gnomAD exomes 0.00003 and 0.00005.
gnomAD v4.1: 75 of 1,603,728 alleles (0.0047%); highest among the groups gnomAD compares: Middle Eastern, 0.017%; no homozygotes.

Submissions (3):

Labcorp Genetics (formerly Invitae), Labcorp
Classification: Likely benign. Last evaluated: 2025-11-03. Review status: criteria provided, single submitter. Criteria: Invitae Variant Classification Sherloc (09022015). Collection method: clinical testing. Allele origin: germline.

Mayo Clinic Laboratories, Mayo Clinic
Classification: Likely benign. Last evaluated: 2025-06-23. Review status: criteria provided, single submitter. Criteria: ACMG Guidelines, 2015. Collection method: clinical testing. Allele origin: germline. Observed: 1 variant allele.
Comment: BS2, BP4, BP7

Blueprint Genetics
Classification: Likely benign. Last evaluated: 2024-02-09. Review status: criteria provided, single submitter. Criteria: ACMG Guidelines, 2015. Collection method: clinical testing. Allele origin: germline.